The following is an entry in ClinVar:

ClinVar aggregate classification (germline): Uncertain significance. Review status: criteria provided, multiple submitters, no conflicts (2 of 4 stars). 5 submissions from 5 submitters: Uncertain significance (5). Last evaluated 2023-05-04.

Conditions:
Inborn genetic diseases. Identifiers: MedGen C0950123, MeSH D030342.
Wilson disease (WND). Also called: Wilson's disease. Identifiers: Orphanet 905, MedGen C0019202, MONDO:0010200, OMIM 277900. Disease mechanism: loss of function.

Submissions (5):

All of Us Research Program, National Institutes of Health
Classification: Uncertain significance for Wilson disease. Last evaluated: 2023-05-04. Review status: criteria provided, single submitter. Criteria: ACMG Guidelines, 2015. Collection method: clinical testing. Allele origin: germline. Inheritance: Autosomal recessive inheritance. Observed: 1 variant allele, 1 heterozygote.
Comment: This study involves interpretation of variants in research participants for the purpose of population health screening. Participant phenotype was not available at the time of variant classification. Additional details can be found in publication PMID: 35346344, PMCID: PMC8962531

Labcorp Genetics (formerly Invitae), Labcorp
Classification: Uncertain significance for Wilson disease. Last evaluated: 2022-07-11. Review status: criteria provided, single submitter. Criteria: Invitae Variant Classification Sherloc (09022015). Collection method: clinical testing. Allele origin: germline.
Comment: This sequence change replaces serine, which is neutral and polar, with glycine, which is neutral and non-polar, at codon 1310 of the ATP7B protein (p.Ser1310Gly). This variant is not present in population databases (gnomAD no frequency). This variant has not been reported in the literature in individuals affected with ATP7B-related conditions. ClinVar contains an entry for this variant (Variation ID: 1210360). Advanced modeling of protein sequence and biophysical properties (such as structural, functional, and spatial information, amino acid conservation, physicochemical variation, residue mobility, and thermodynamic stability) performed at Invitae indicates that this missense variant is not expected to disrupt ATP7B protein function. In summary, the available evidence is currently insufficient to determine the role of this variant in disease. Therefore, it has been classified as a Variant of Uncertain Significance.

Fulgent Genetics
Classification: Uncertain significance for Wilson disease. Last evaluated: 2022-04-09. Review status: criteria provided, single submitter. Criteria: ACMG Guidelines, 2015. Collection method: clinical testing. Allele origin: unknown.

Ambry Genetics
Classification: Uncertain significance for Inborn genetic diseases. Last evaluated: 2021-12-03. Review status: criteria provided, single submitter. Criteria: Ambry Variant Classification Scheme 2023. Collection method: clinical testing. Allele origin: germline.

Genome-Nilou Lab
Classification: Uncertain significance for Wilson disease. Last evaluated: 2021-07-22. Review status: criteria provided, single submitter. Criteria: ACMG Guidelines, 2015. Collection method: clinical testing. Allele origin: germline. Affected: no.

NM_000053.4(ATP7B):c.3928A>G (p.Ser1310Gly)

Gene: ATP7B (ATPase copper transporting beta; minus strand). Cytogenetic location: 13q14.3.
Variant type: single nucleotide variant.
Coding change: c.3928A>G on transcript NM_000053.4 (MANE Select); coding-DNA position 3928, A replaced by G.
Protein change: p.Ser1310Gly; replaces serine 1310 with glycine.
Molecular consequence: missense variant.
Genome position (GRCh38, 1-based): chr13:51,937,369, T>C on the plus strand (A>G on the coding strand, the complement: ATP7B is on the minus strand). VCF-style: chr13-51937369-T-C. GRCh37 (hg19) VCF-style: chr13-52511505-T-C.
Other names: c.3307A>G, p.Ser1103Gly (NM_001005918.3); c.3595A>G, p.Ser1199Gly (NM_001243182.2); c.3694A>G, p.Ser1232Gly (NM_001330578.2); c.3676A>G, p.Ser1226Gly (NM_001330579.2); short protein forms S1103G, S1199G, S1226G, S1232G, S1310G.
Identifiers: ClinVar variation 1210360 (VCV001210360.9), dbSNP rs1210164486, ClinGen allele CA388021189.